The following is an entry in ClinVar:

ClinVar aggregate classification (germline): Likely benign. Review status: criteria provided, multiple submitters, no conflicts (2 of 4 stars). 4 submissions from 3 submitters: Likely benign (4). Last evaluated 2025-10-06.

Conditions:
Adams-Oliver syndrome 5 (AOS5). Identifiers: Orphanet 974, MedGen C4014970, MONDO:0014459, OMIM 616028.
Aortic valve disease 1 (AOVD1). Identifiers: MedGen C3887892, MONDO:0024523, OMIM 109730.

Allele frequency attached by ClinVar (database versions not stated): ExAC 0.00004; gnomAD exomes 0.00004; gnomAD 0.00005 and 0.00006; TOPMed 0.00006; ESP Exome Variant Server 0.00008; 1000 Genomes Project 0.00020; 1000 Genomes Project 30x 0.00047.
gnomAD v4.1: 25 of 1,606,792 alleles (0.0016%); highest among the groups gnomAD compares: African/African-American, 0.019%; no homozygotes.

Submissions (4):

Labcorp Genetics (formerly Invitae), Labcorp
Classification: Likely benign for Adams-Oliver syndrome 5. Last evaluated: 2025-10-06. Review status: criteria provided, single submitter. Criteria: Invitae Variant Classification Sherloc (09022015). Collection method: clinical testing. Allele origin: germline.

Genome-Nilou Lab
Classification: Likely benign for Adams-Oliver syndrome 5. Last evaluated: 2022-03-15. Review status: criteria provided, single submitter. Criteria: ACMG Guidelines, 2015. Collection method: clinical testing. Allele origin: germline. Affected: no.

Genome-Nilou Lab
Classification: Likely benign for Aortic valve disease 1. Last evaluated: 2022-03-15. Review status: criteria provided, single submitter. Criteria: ACMG Guidelines, 2015. Collection method: clinical testing. Allele origin: germline. Affected: no.

GeneDx
Classification: Likely benign. Last evaluated: 2017-04-04. Review status: criteria provided, single submitter. Criteria: GeneDx Variant Classification (06012015). Collection method: clinical testing. Allele origin: germline. Affected: yes.
Comment: This variant is considered likely benign or benign based on one or more of the following criteria: it is a conservative change, it occurs at a poorly conserved position in the protein, it is predicted to be benign by multiple in silico algorithms, and/or has population frequency not consistent with disease.

NM_017617.5(NOTCH1):c.3326-16A>T

Gene: NOTCH1 (notch receptor 1; minus strand). Cytogenetic location: 9q34.3.
Variant type: single nucleotide variant.
Coding change: c.3326-16A>T on transcript NM_017617.5 (MANE Select); 16 bases into the intron before coding-DNA position 3326, A replaced by T.
Molecular consequence: intron variant.
Genome position (GRCh38, 1-based): chr9:136,508,155, T>A on the plus strand (A>T on the coding strand, the complement: NOTCH1 is on the minus strand). VCF-style: chr9-136508155-T-A. GRCh37 (hg19) VCF-style: chr9-139402607-T-A.
Other names: c.3326-16A>T (LRG_1122t1).
Identifiers: ClinVar variation 508646 (VCV000508646.10), dbSNP rs374731388, ClinGen allele CA5340965.
Genomic context (GRCh38, chr9:136,508,155, plus strand): 5'-CCACACAGAGCCCTCCATGCTGGCACAGGCGGGCAACGTCAACACCTGCGGGGGATGGGG[T>A]GGTAGACAGGTGAGGCCCAGGCCCACAGAGGACCTTGATGGGCTGGGACCCGAGCTGGGT-3'